The following is an entry in ClinVar:

ClinVar aggregate classification (germline): Benign/Likely benign. Review status: criteria provided, multiple submitters, no conflicts (2 of 4 stars). 3 submissions from 3 submitters: Benign (1); Likely benign (1). 1 of the submissions does not count toward it. Last evaluated 2026-01-19.

Conditions:
SLC27A4-related disorder. Also called: SLC27A4-related condition.

Allele frequency attached by ClinVar (database versions not stated): gnomAD exomes 0.00003 and 0.00018; gnomAD 0.00015 and 0.00016; TOPMed 0.00019; ExAC 0.00021; 1000 Genomes Project 30x 0.00094; 1000 Genomes Project 0.00100.
gnomAD v4.1: 131 of 1,613,698 alleles (0.0081%); highest among the groups gnomAD compares: East Asian, 0.14%; 1 homozygote.

Submissions (3):

Labcorp Genetics (formerly Invitae), Labcorp
Classification: Benign. Last evaluated: 2026-01-19. Review status: criteria provided, single submitter. Criteria: Invitae Variant Classification Sherloc (09022015). Collection method: clinical testing. Allele origin: germline.

Blueprint Genetics
Classification: Likely benign. Last evaluated: 2024-11-01. Review status: criteria provided, single submitter. Criteria: ACMG Guidelines, 2015. Collection method: clinical testing. Allele origin: germline.

PreventionGenetics, part of Exact Sciences
Classification: Likely benign for SLC27A4-related condition. Last evaluated: 2019-05-24. Review status: no assertion criteria provided. Collection method: clinical testing. Allele origin: germline. Not counted in ClinVar's aggregate classification.
Comment: This variant is classified as likely benign based on ACMG/AMP sequence variant interpretation guidelines (Richards et al. 2015 PMID: 25741868, with internal and published modifications).

NM_005094.4(SLC27A4):c.411T>C (p.Asn137=)

Gene: SLC27A4 (solute carrier family 27 member 4; plus strand). Cytogenetic location: 9q34.11.
Variant type: single nucleotide variant.
Coding change: c.411T>C on transcript NM_005094.4 (MANE Select); coding-DNA position 411, T replaced by C.
Protein change: p.Asn137=; no amino-acid change (asparagine 137 retained).
Molecular consequence: synonymous variant.
Genome position (GRCh38, 1-based): chr9:128,345,404, T>C. VCF-style: chr9-128345404-T-C. GRCh37 (hg19) VCF-style: chr9-131107683-T-C.
Identifiers: ClinVar variation 728228 (VCV000728228.12), dbSNP rs142183053, ClinGen allele CA5260926.